The following is an entry in ClinVar:

ClinVar aggregate classification (germline): Uncertain significance (1 of 4 stars; one submission).

Conditions:
Birt-Hogg-Dube syndrome. Also called: Birt Hogg Dubé syndrome. Identifiers: Orphanet 122, MedGen C0346010, MONDO:0800444.

Submission:

Labcorp Genetics (formerly Invitae), Labcorp
Classification: Uncertain significance for Birt-Hogg-Dube syndrome. Last evaluated: 2021-09-22. Review status: criteria provided, single submitter. Criteria: Invitae Variant Classification Sherloc (09022015). Collection method: clinical testing. Allele origin: germline.
Comment: This sequence change replaces phenylalanine with tyrosine at codon 552 of the FLCN protein (p.Phe552Tyr). The phenylalanine residue is highly conserved and there is a small physicochemical difference between phenylalanine and tyrosine. In summary, the available evidence is currently insufficient to determine the role of this variant in disease. Therefore, it has been classified as a Variant of Uncertain Significance. Algorithms developed to predict the effect of missense changes on protein structure and function (SIFT, PolyPhen-2, Align-GVGD) all suggest that this variant is likely to be tolerated. This variant has not been reported in the literature in individuals affected with FLCN-related conditions. This variant is not present in population databases (ExAC no frequency).

NM_144997.7(FLCN):c.1655T>A (p.Phe552Tyr)

Gene: FLCN (folliculin; minus strand). Cytogenetic location: 17p11.2.
Variant type: single nucleotide variant.
Coding change: c.1655T>A on transcript NM_144997.7 (MANE Select); coding-DNA position 1655, T replaced by A.
Protein change: p.Phe552Tyr; replaces phenylalanine 552 with tyrosine.
Molecular consequence: missense variant.
Genome position (GRCh38, 1-based): chr17:17,213,740, A>T on the plus strand (T>A on the coding strand, the complement: FLCN is on the minus strand). VCF-style: chr17-17213740-A-T. GRCh37 (hg19) VCF-style: chr17-17117054-A-T.
Other names: c.1709T>A, p.Phe570Tyr (NM_001353229.2); c.1655T>A, p.Phe552Tyr (NM_001353230.2, NM_001353231.2); short protein forms F552Y, F570Y.
Identifiers: ClinVar variation 1463495 (VCV001463495.6), dbSNP rs2144808715, ClinGen allele CA398529924.